The following is an entry in ClinVar:

ClinVar aggregate classification (germline): Uncertain significance (1 of 4 stars; one submission).

Allele frequency attached by ClinVar (database versions not stated): gnomAD 0.00001; gnomAD exomes 0.00001; ExAC 0.00002; TOPMed 0.00002.
gnomAD v4.1: 14 of 1,613,762 alleles (0.00087%); highest among the groups gnomAD compares: East Asian, 0.0045%; no homozygotes.

Submission:

Labcorp Genetics (formerly Invitae), Labcorp
Classification: Uncertain significance. Last evaluated: 2024-10-16. Review status: criteria provided, single submitter. Criteria: Invitae Variant Classification Sherloc (09022015). Collection method: clinical testing. Allele origin: germline.
Comment: This sequence change replaces arginine, which is basic and polar, with tryptophan, which is neutral and slightly polar, at codon 2384 of the KMT2C protein (p.Arg2384Trp). This variant is present in population databases (rs781570710, gnomAD 0.03%). This variant has not been reported in the literature in individuals affected with KMT2C-related conditions. An algorithm developed to predict the effect of missense changes on protein structure and function (PolyPhen-2) suggests that this variant is likely to be disruptive. In summary, the available evidence is currently insufficient to determine the role of this variant in disease. Therefore, it has been classified as a Variant of Uncertain Significance.

NM_170606.3(KMT2C):c.7150C>T (p.Arg2384Trp)

Gene: KMT2C (lysine methyltransferase 2C; minus strand). Cytogenetic location: 7q36.1.
Variant type: single nucleotide variant.
Coding change: c.7150C>T on transcript NM_170606.3 (MANE Select); coding-DNA position 7150, C replaced by T.
Protein change: p.Arg2384Trp; replaces arginine 2384 with tryptophan.
Molecular consequence: missense variant.
Genome position (GRCh38, 1-based): chr7:152,180,126, G>A on the plus strand (C>T on the coding strand, the complement: KMT2C is on the minus strand). VCF-style: chr7-152180126-G-A. GRCh37 (hg19) VCF-style: chr7-151877211-G-A.
Other names: short protein forms R2384W.
Identifiers: ClinVar variation 2882462 (VCV002882462.3), dbSNP rs781570710, ClinGen allele CA4579928.